The following is an entry in ClinVar:

NM_000057.4(BLM):c.656A>T (p.Asp219Val)

Gene: BLM (BLM RecQ like helicase; plus strand). Cytogenetic location: 15q26.1.
Variant type: single nucleotide variant.
Coding change: c.656A>T on transcript NM_000057.4 (MANE Select); coding-DNA position 656, A replaced by T.
Protein change: p.Asp219Val; replaces aspartic acid 219 with valine.
Molecular consequence: missense variant. On other transcripts: 5 prime UTR variant (1).
Genome position (GRCh38, 1-based): chr15:90,749,924, A>T. VCF-style: chr15-90749924-A-T. GRCh37 (hg19) VCF-style: chr15-91293154-A-T.
Other names: c.656A>T, p.Asp219Val (NM_001287246.2, NM_001287247.2); c.-636A>T (NM_001287248.2); short protein forms D219V.
Identifiers: ClinVar variation 1754224 (VCV001754224.5), dbSNP rs1246909789, ClinGen allele CA393841268.

ClinVar aggregate classification (germline): Uncertain significance. Review status: criteria provided, multiple submitters, no conflicts (2 of 4 stars). 2 submissions from 2 submitters: Uncertain significance (2). Last evaluated 2023-01-11.

Conditions:
Hereditary cancer-predisposing syndrome. Also called: Neoplastic Syndromes, Hereditary; Tumor predisposition; Hereditary Cancer Syndrome; Hereditary neoplastic syndrome. Identifiers: Orphanet 140162, MedGen C0027672, MeSH D009386, MONDO:0015356.
Bloom syndrome (BLM). Also called: Bloom-Torre-Machacek syndrome. Identifiers: Orphanet 125, MedGen C0005859, MONDO:0008876, OMIM 210900.

Allele frequency attached by ClinVar (database versions not stated): gnomAD exomes below 0.00001.
gnomAD v4.1: 2 of 1,613,812 alleles (0.00012%); highest among the groups gnomAD compares: Non-Finnish European, 0.00017%; no homozygotes.

Submissions (2):

Labcorp Genetics (formerly Invitae), Labcorp
Classification: Uncertain significance for Bloom syndrome. Last evaluated: 2023-01-11. Review status: criteria provided, single submitter. Criteria: Invitae Variant Classification Sherloc (09022015). Collection method: clinical testing. Allele origin: germline.
Comment: This sequence change replaces aspartic acid, which is acidic and polar, with valine, which is neutral and non-polar, at codon 219 of the BLM protein (p.Asp219Val). This variant is not present in population databases (gnomAD no frequency). This variant has not been reported in the literature in individuals affected with BLM-related conditions. ClinVar contains an entry for this variant (Variation ID: 1754224). Algorithms developed to predict the effect of missense changes on protein structure and function (SIFT, PolyPhen-2, Align-GVGD) all suggest that this variant is likely to be tolerated. In summary, the available evidence is currently insufficient to determine the role of this variant in disease. Therefore, it has been classified as a Variant of Uncertain Significance.

Ambry Genetics
Classification: Uncertain significance for Hereditary cancer-predisposing syndrome. Last evaluated: 2022-09-23. Review status: criteria provided, single submitter. Criteria: Ambry Variant Classification Scheme 2023. Collection method: clinical testing. Allele origin: germline.
Comment: The p.D219V variant (also known as c.656A>T), located in coding exon 2 of the BLM gene, results from an A to T substitution at nucleotide position 656. The aspartic acid at codon 219 is replaced by valine, an amino acid with highly dissimilar properties. This amino acid position is conserved. In addition, this alteration is predicted to be tolerated by in silico analysis. Since supporting evidence is limited at this time, the clinical significance of this alteration remains unclear.